The following is an entry in ClinVar:

ClinVar aggregate classification (germline): Uncertain significance. Review status: criteria provided, single submitter (1 of 4 stars). 2 submissions from 2 submitters: Uncertain significance (1). 1 of the submissions does not count toward it. Last evaluated 2025-06-25.

Submissions (2):

GeneDx
Classification: Uncertain significance. Last evaluated: 2025-06-25. Review status: criteria provided, single submitter. Criteria: GeneDx Variant Classification Process June 2021. Collection method: clinical testing. Allele origin: germline. Affected: yes.
Comment: Identified in a patient with hearing loss in published literature, however, clinical information was not provided (PMID: 34599366); Not observed at significant frequency in large population cohorts (gnomAD); In silico analysis supports that this missense variant has a deleterious effect on protein structure/function; This variant is associated with the following publications: (PMID: 34599366)

Gharavi Laboratory, Columbia University
Classification: Uncertain significance. Last evaluated: 2018-09-16. Review status: no assertion criteria provided. Criteria: ACMG Guidelines, 2015. Collection method: research. Allele origin: germline. Affected: yes. Not counted in ClinVar's aggregate classification.

NM_000441.2(SLC26A4):c.1412T>C (p.Leu471Pro)

Gene: SLC26A4 (solute carrier family 26 member 4; plus strand). Cytogenetic location: 7q22.3.
Variant type: single nucleotide variant.
Coding change: c.1412T>C on transcript NM_000441.2 (MANE Select); coding-DNA position 1412, T replaced by C.
Protein change: p.Leu471Pro; replaces leucine 471 with proline.
Molecular consequence: missense variant.
Genome position (GRCh38, 1-based): chr7:107,694,691, T>C. VCF-style: chr7-107694691-T-C. GRCh37 (hg19) VCF-style: chr7-107335136-T-C.
Other names: c.1412T>C (NM_000441.1); short protein forms L471P.
Identifiers: ClinVar variation 591821 (VCV000591821.2), dbSNP rs1562835716, ClinGen allele CA368840824.